The following is an entry in ClinVar:

NM_001276270.2(MBD4):c.1085T>C (p.Val362Ala)

Gene: MBD4 (methyl-CpG binding domain 4, DNA glycosylase; minus strand). Cytogenetic location: 3q21.3.
Variant type: single nucleotide variant.
Coding change: c.1085T>C on transcript NM_001276270.2 (MANE Select); coding-DNA position 1085, T replaced by C.
Protein change: p.Val362Ala; replaces valine 362 with alanine.
Molecular consequence: missense variant. On other transcripts: intron variant (1).
Genome position (GRCh38, 1-based): chr3:129,436,559, A>G on the plus strand (T>C on the coding strand, the complement: MBD4 is on the minus strand). VCF-style: chr3-129436559-A-G. GRCh37 (hg19) VCF-style: chr3-129155402-A-G.
Other names: c.1085T>C, p.Val362Ala (NM_001276271.2, NM_001276272.2, NM_003925.3); c.247+1249T>C (NM_001276273.2); short protein forms V362A.
Identifiers: ClinVar variation 4710952 (VCV004710952.1).
Genomic context (GRCh38, chr3:129,436,559, plus strand): 5'-ATTTCAGAGCCACGTTTTAAAATGTCAGTATGCAAATGTTCTTTCCTTTCCACAACTTCT[A>G]CTTTTGTTCCGATTTCTTCAGATTCTAAAAAGGTATCCTCATACTTCTCGTTGTGTTCTG-3'
Protein context (NP_001263199.1, residues 352-372): FLESEEIGTK[Val362Ala]EVVERKEHLH

ClinVar aggregate classification (germline): Uncertain significance (1 of 4 stars; one submission).

Submission:

Labcorp Genetics (formerly Invitae), Labcorp
Classification: Uncertain significance. Last evaluated: 2025-05-18. Review status: criteria provided, single submitter. Criteria: Invitae Variant Classification Sherloc (09022015). Collection method: clinical testing. Allele origin: germline.
Comment: This sequence change replaces valine, which is neutral and non-polar, with alanine, which is neutral and non-polar, at codon 362 of the MBD4 protein (p.Val362Ala). This variant is present in population databases (no rsID available, gnomAD 0.0009%). This variant has not been reported in the literature in individuals affected with MBD4-related conditions. An algorithm developed to predict the effect of missense changes on protein structure and function (PolyPhen-2) suggests that this variant is likely to be tolerated. In summary, the available evidence is currently insufficient to determine the role of this variant in disease. Therefore, it has been classified as a Variant of Uncertain Significance.